The following is an entry in ClinVar:

NM_003919.3(SGCE):c.10C>T (p.Pro4Ser)

Gene: SGCE (sarcoglycan epsilon; minus strand). Cytogenetic location: 7q21.3.
Variant type: single nucleotide variant.
Coding change: c.10C>T on transcript NM_003919.3 (MANE Select); coding-DNA position 10, C replaced by T.
Protein change: p.Pro4Ser; replaces proline 4 with serine.
Molecular consequence: missense variant. On other transcripts: 5 prime UTR variant (4).
Genome position (GRCh38, 1-based): chr7:94,656,089, G>A on the plus strand (C>T on the coding strand, the complement: SGCE is on the minus strand). VCF-style: chr7-94656089-G-A. GRCh37 (hg19) VCF-style: chr7-94285401-G-A.
Other names: c.10C>T, p.Pro4Ser (NM_001099400.2, NM_001099401.2, NM_001301139.2 and 4 more transcripts); c.-248C>T (NM_001346719.2); c.-326C>T (NM_001346720.2, NM_001362808.2); c.-254C>T (NM_001362807.2); short protein forms P4S.
Identifiers: ClinVar variation 3440555 (VCV003440555.3).
Genomic context (GRCh38, chr7:94,656,089, plus strand): 5'-TGCGTGTCCCCCGACCCTGTCCCGTCCAAGCACAGGGGTCTCCCAGCTCCCACCACCGGG[G>A]CAATTGCATTCTTGGCCTGGCTAGGCCGTCCGTCCTCGATTCTCCCCTCCCCTCCCTTTC-3'
Protein context (NP_003910.1, residues 1-14): MQL[Pro4Ser]RWWELGDPCA

ClinVar aggregate classification (germline): Uncertain significance. Review status: criteria provided, multiple submitters, no conflicts (2 of 4 stars). 2 submissions from 2 submitters: Uncertain significance (2). Last evaluated 2024-11-23.

Conditions:
Myoclonic dystonia 11 (DYT11). Also called: DYT-SGCE; Myoclonic dystonia; Dystonia 11; Dystonia, alcohol responsive; Hereditary essential myoclonus; SGCE Myoclonus-Dystonia. Identifiers: Orphanet 36899, MedGen C1834570, MONDO:0008044, OMIM 159900.
Inborn genetic diseases. Identifiers: MedGen C0950123, MeSH D030342.

gnomAD v4.1: 3 of 1,606,368 alleles (0.00019%); highest among the groups gnomAD compares: East Asian, 0.0022%; no homozygotes.

Submissions (2):

Ambry Genetics
Classification: Uncertain significance for Inborn genetic diseases. Last evaluated: 2024-11-23. Review status: criteria provided, single submitter. Criteria: Ambry Variant Classification Scheme 2023. Collection method: clinical testing. Allele origin: germline.

Labcorp Genetics (formerly Invitae), Labcorp
Classification: Uncertain significance for Myoclonic dystonia 11. Last evaluated: 2024-08-03. Review status: criteria provided, single submitter. Criteria: Invitae Variant Classification Sherloc (09022015). Collection method: clinical testing. Allele origin: germline.
Comment: This sequence change replaces proline, which is neutral and non-polar, with serine, which is neutral and polar, at codon 4 of the SGCE protein (p.Pro4Ser). This variant is not present in population databases (gnomAD no frequency). This variant has not been reported in the literature in individuals affected with SGCE-related conditions. An algorithm developed to predict the effect of missense changes on protein structure and function outputs the following: PolyPhen-2: "Benign". The serine amino acid residue is found in multiple mammalian species, which suggests that this missense change does not adversely affect protein function. In summary, the available evidence is currently insufficient to determine the role of this variant in disease. Therefore, it has been classified as a Variant of Uncertain Significance.